The following is an entry in ClinVar:

ClinVar aggregate classification (germline): Pathogenic (1 of 4 stars; one submission).

Submission:

Labcorp Genetics (formerly Invitae), Labcorp
Classification: Pathogenic. Last evaluated: 2022-08-16. Review status: criteria provided, single submitter. Criteria: Invitae Variant Classification Sherloc (09022015). Collection method: clinical testing. Allele origin: germline.
Comment: This variant has not been reported in the literature in individuals affected with ITPR1-related conditions. This variant is a gross deletion of the genomic region encompassing exon(s) 3-4 of the ITPR1 gene, which includes the initiator codon. This deletion extends beyond the assayed region for this gene and therefore may encompass additional genes. It is expected to result in an absent or disrupted protein product. Loss-of-function variants in ITPR1 are known to be pathogenic (PMID: 27108797). For these reasons, this variant has been classified as Pathogenic.

Literature cited by the submitters: PubMed 27108797.

NC_000003.11:g.(?_4558176)_(4562798_?)del

Gene: ITPR1 (inositol 1,4,5-trisphosphate receptor type 1; plus strand). Cytogenetic location: 3p26.1.
Variant type: Deletion.
Identifiers: ClinVar variation 2424371 (VCV002424371.4).